The following is an entry in ClinVar:

NM_002437.5(MPV17):c.41A>G (p.His14Arg)

Gene: MPV17 (mitochondrial inner membrane protein MPV17; minus strand). Cytogenetic location: 2p23.3.
Variant type: single nucleotide variant.
Coding change: c.41A>G on transcript NM_002437.5 (MANE Select); coding-DNA position 41, A replaced by G.
Protein change: p.His14Arg; replaces histidine 14 with arginine.
Molecular consequence: missense variant.
Genome position (GRCh38, 1-based): chr2:27,322,477, T>C on the plus strand (A>G on the coding strand, the complement: MPV17 is on the minus strand). VCF-style: chr2-27322477-T-C. GRCh37 (hg19) VCF-style: chr2-27545344-T-C.
Other names: short protein forms H14R.
Identifiers: ClinVar variation 4800171 (VCV004800171.1).
Genomic context (GRCh38, chr2:27,322,477, plus strand): 5'-GGTCCCACTCAAGTCCTAGAGGGACACTCACCAGCTGTCAGGACCTGTACTTTCCACGGG[T>C]GAGCGGCCAGGGCCCGCTGGTATGCCCGCCAGAGTGCCATGCTTCCTGTCAAGCCAAGAG-3'
Protein context (NP_002428.1, residues 4-24): WRAYQRALAA[His14Arg]PWKVQVLTAG

ClinVar aggregate classification (germline): Uncertain significance (1 of 4 stars; one submission).

Submission:

Labcorp Genetics (formerly Invitae), Labcorp
Classification: Uncertain significance. Last evaluated: 2025-03-22. Review status: criteria provided, single submitter. Criteria: Invitae Variant Classification Sherloc (09022015). Collection method: clinical testing. Allele origin: germline.
Comment: This sequence change replaces histidine, which is basic and polar, with arginine, which is basic and polar, at codon 14 of the MPV17 protein (p.His14Arg). This variant is not present in population databases (gnomAD no frequency). This variant has not been reported in the literature in individuals affected with MPV17-related conditions. Invitae Evidence Modeling of protein sequence and biophysical properties (such as structural, functional, and spatial information, amino acid conservation, physicochemical variation, residue mobility, and thermodynamic stability) indicates that this missense variant is not expected to disrupt MPV17 protein function with a negative predictive value of 95%. In summary, the available evidence is currently insufficient to determine the role of this variant in disease. Therefore, it has been classified as a Variant of Uncertain Significance.